The following is an entry in ClinVar:

ClinVar aggregate classification (germline): Uncertain significance (1 of 4 stars; one submission).

Conditions:
Epilepsy, progressive myoclonic, 1B. Also called: PME. Identifiers: Orphanet 308, MedGen C2676254, MONDO:0012904, OMIM 612437.

Submission:

Labcorp Genetics (formerly Invitae), Labcorp
Classification: Uncertain significance for Epilepsy, progressive myoclonic, 1B. Last evaluated: 2025-04-28. Review status: criteria provided, single submitter. Criteria: Invitae Variant Classification Sherloc (09022015). Collection method: clinical testing. Allele origin: germline.
Comment: This sequence change creates a premature translational stop signal (p.Leu47Serfs*43) in the PRICKLE1 gene. It is expected to result in an absent or disrupted protein product. However, the current clinical and genetic evidence is not sufficient to establish whether loss-of-function variants in PRICKLE1 cause disease. This variant is not present in population databases (gnomAD no frequency). This variant has not been reported in the literature in individuals affected with PRICKLE1-related conditions. ClinVar contains an entry for this variant (Variation ID: 469503). In summary, the available evidence is currently insufficient to determine the role of this variant in disease. Therefore, it has been classified as a Variant of Uncertain Significance.

NM_153026.3(PRICKLE1):c.139del (p.Leu47fs)

Gene: PRICKLE1 (prickle planar cell polarity protein 1; minus strand). Cytogenetic location: 12q12.
Variant type: Deletion.
Coding change: c.139del on transcript NM_153026.3 (MANE Select); coding-DNA position 139, one base deleted (C; older notation c.139delC).
Protein change: p.Leu47fs; shifts the reading frame from leucine 47.
Molecular consequence: frameshift variant.
Genome position (GRCh38, 1-based): chr12:42,470,353, G deleted on the plus strand (C on the coding strand, the reverse complement: PRICKLE1 is on the minus strand). VCF-style (leftmost placement, unchanged base first): chr12-42470352-AG-A. GRCh37 (hg19) VCF-style: chr12-42864154-AG-A.
Other names: c.139del, p.Leu47fs (NM_001144881.2, NM_001144882.2, NM_001144883.2); short protein forms L47fs.
Identifiers: ClinVar variation 469503 (VCV000469503.6), dbSNP rs1555230922, ClinGen allele CA658658137.